The following is an entry in ClinVar:

Conditions:
Arteriohepatic dysplasia. Also called: Alagille Syndrome. Identifiers: Orphanet 52, MedGen C0085280, MeSH D016738, MONDO:0007318.

Submission:

Gilbert/Spinner Lab, Children's Hospital of Philadelphia
No classification provided (evidence only). Condition: Alagille syndrome. Review status: no classification provided. Collection method: research. Allele origin: not applicable. Functional consequence: functionally_abnormal.
ClinVar note: "not provided" was previously submitted as the classification for the variant. However, the classification appeared to be based only on an observation of functional data so it was converted to no classification on 2025-07-30.

NM_000214.3(JAG1):c.624A>T (p.Gly208=)

Gene: JAG1 (jagged canonical Notch ligand 1; minus strand). Cytogenetic location: 20p12.2.
Variant type: single nucleotide variant.
Coding change: c.624A>T on transcript NM_000214.3 (MANE Select); coding-DNA position 624, A replaced by T.
Protein change: p.Gly208=; no amino-acid change (glycine 208 retained).
Molecular consequence: synonymous variant.
Genome position (GRCh38, 1-based): chr20:10,658,538, T>A on the plus strand (A>T on the coding strand, the complement: JAG1 is on the minus strand). VCF-style: chr20-10658538-T-A. GRCh37 (hg19) VCF-style: chr20-10639186-T-A.
Identifiers: ClinVar variation 3573074 (VCV003573074.2).
Genomic context (GRCh38, chr20:10,658,538, plus strand): 5'-TTCGGGGCCCATCCAGCCTTCCATGCAAGTTTTGTTGCCATTCTGGTCACAGGCATAGTG[T>A]CCAAAGAAGTCATCTCTGGGGCGGCAGAACTTATTGCAGCCAAAGCCATAGTAGTAGTCA-3'
Protein context (NP_000205.1, residues 198-218): KFCRPRDDFF[Gly208=]HYACDQNGNK